The following is an entry in ClinVar:

ClinVar aggregate classification (germline): Uncertain significance (1 of 4 stars; one submission).

Submission:

Labcorp Genetics (formerly Invitae), Labcorp
Classification: Uncertain significance. Last evaluated: 2024-03-29. Review status: criteria provided, single submitter. Criteria: Invitae Variant Classification Sherloc (09022015). Collection method: clinical testing. Allele origin: germline.
Comment: This sequence change replaces leucine, which is neutral and non-polar, with phenylalanine, which is neutral and non-polar, at codon 5 of the SAMD9 protein (p.Leu5Phe). This variant is not present in population databases (gnomAD no frequency). This variant has not been reported in the literature in individuals affected with SAMD9-related conditions. Advanced modeling of protein sequence and biophysical properties (such as structural, functional, and spatial information, amino acid conservation, physicochemical variation, residue mobility, and thermodynamic stability) performed at Invitae indicates that this missense variant is not expected to disrupt SAMD9 protein function with a negative predictive value of 95%. In summary, the available evidence is currently insufficient to determine the role of this variant in disease. Therefore, it has been classified as a Variant of Uncertain Significance.

NM_017654.4(SAMD9):c.13C>T (p.Leu5Phe)

Gene: SAMD9 (sterile alpha motif domain containing 9; minus strand). Cytogenetic location: 7q21.2.
Variant type: single nucleotide variant.
Coding change: c.13C>T on transcript NM_017654.4 (MANE Select); coding-DNA position 13, C replaced by T.
Protein change: p.Leu5Phe; replaces leucine 5 with phenylalanine.
Molecular consequence: missense variant.
Genome position (GRCh38, 1-based): chr7:93,106,085, G>A on the plus strand (C>T on the coding strand, the complement: SAMD9 is on the minus strand). VCF-style: chr7-93106085-G-A. GRCh37 (hg19) VCF-style: chr7-92735398-G-A.
Other names: c.13C>T, p.Leu5Phe (NM_001193307.2); short protein forms L5F.
Identifiers: ClinVar variation 3690529 (VCV003690529.2).